The following is an entry in ClinVar:

NM_006567.5(FARS2):c.407C>A (p.Pro136His)

Genes: FARS2 (phenylalanyl-tRNA synthetase 2, mitochondrial; plus strand), LOC126859565 (CDK7 strongly-dependent group 2 enhancer GRCh37_chr6:5368745-5369944; plus strand). Cytogenetic location: 6p25.1.
Variant type: single nucleotide variant.
Coding change: c.407C>A on transcript NM_006567.5 (MANE Select); coding-DNA position 407, C replaced by A.
Protein change: p.Pro136His; replaces proline 136 with histidine.
Molecular consequence: missense variant. On other transcripts: intron variant (2).
Genome position (GRCh38, 1-based): chr6:5,368,977, C>A. VCF-style: chr6-5368977-C-A. GRCh37 (hg19) VCF-style: chr6-5369210-C-A.
Other names: c.407C>A, p.Pro136His (NM_001318872.2, NM_001374875.1, NM_001374876.1 and 5 more transcripts); c.-340-27656C>A (NM_001375260.1); c.-84-35565C>A (NM_001375259.1); short protein forms P136H.
Identifiers: ClinVar variation 473309 (VCV000473309.25), dbSNP rs199863563, ClinGen allele CA3623639.

ClinVar aggregate classification (germline): Conflicting classifications of pathogenicity. Review status: criteria provided, conflicting classifications (1 of 4 stars). 9 submissions from 9 submitters: Pathogenic (3); Likely pathogenic (4); Uncertain significance (1). 1 of the submissions does not count toward it. Last evaluated 2026-01-27.

Conditions:
FARS2-related disorder. Also called: FARS2-related condition; FARS2-related disorders.
Hereditary spastic paraplegia 77. Also called: Spastic paraplegia 77, autosomal recessive. Identifiers: Orphanet 466722, MedGen C5569007, MONDO:0014882, OMIM 617046.
Combined oxidative phosphorylation defect type 14. Also called: Combined oxidative phosphorylation deficiency 14. Identifiers: Orphanet 319519, MedGen C4755312, MONDO:0013986, OMIM 614946.

Allele frequency attached by ClinVar (database versions not stated): ESP Exome Variant Server 0.00008; ExAC 0.00020; gnomAD 0.00022; TOPMed 0.00022; gnomAD exomes 0.00031.
gnomAD v4.1: 292 of 1,614,018 alleles (0.018%); highest among the groups gnomAD compares: Admixed American, 0.012%; 1 homozygote.

Submissions (9):

Labcorp Genetics (formerly Invitae), Labcorp
Classification: Pathogenic for Combined oxidative phosphorylation defect type 14. Last evaluated: 2026-01-27. Review status: criteria provided, single submitter. Criteria: Invitae Variant Classification Sherloc (09022015). Collection method: clinical testing. Allele origin: germline.
Comment: This sequence change replaces proline, which is neutral and non-polar, with histidine, which is basic and polar, at codon 136 of the FARS2 protein (p.Pro136His). This variant is present in population databases (rs199863563, gnomAD 0.6%). This missense change has been observed in individual(s) with autosomal recessive spastic paraplegia (PMID: 30250868; external communication). In at least one individual the data is consistent with being in trans (on the opposite chromosome) from a pathogenic variant. ClinVar contains an entry for this variant (Variation ID: 473309). Invitae Evidence Modeling of protein sequence and biophysical properties (such as structural, functional, and spatial information, amino acid conservation, physicochemical variation, residue mobility, and thermodynamic stability) has been performed for this missense variant. However, the output from this modeling did not meet the statistical confidence thresholds required to predict the impact of this variant on FARS2 protein function. Experimental studies have shown that this missense change affects FARS2 function (PMID: 30250868). For these reasons, this variant has been classified as Pathogenic.

PreventionGenetics, part of Exact Sciences
Classification: Likely pathogenic for FARS2-related condition. Last evaluated: 2026-01-23. Review status: criteria provided, single submitter. Criteria: ACMG Guidelines, 2015. Collection method: clinical testing. Allele origin: germline.
Comment: The FARS2 c.407C>A variant is predicted to result in the amino acid substitution p.Pro136His. This variant has been reported with a second FARS2 variant in individuals with FARS2-related disorders (Sahai et al. 2018. PubMed ID: 30250868; Ngo et al. 2019. PubMed ID: 31692161). In vitro experimental studies indicate this variant impacts protein function (Sahai et al. 2018. PubMed ID: 30250868; Roy et al. 2025. PubMed ID: 40254257). This variant is reported in 0.63% of alleles in individuals of Ashkenazi Jewish descent in gnomAD and is reported as likely pathogenic or pathogenic in ClinVar by many outside laboratories (ClinVar ID:473309). This variant is interpreted as likely pathogenic.

Revvity Omics, Revvity
Classification: Likely pathogenic. Last evaluated: 2025-03-12. Review status: criteria provided, single submitter. Criteria: ACMG Guidelines, 2015. Collection method: clinical testing. Allele origin: germline.

Women's Health and Genetics/Laboratory Corporation of America, LabCorp
Classification: Likely pathogenic for FARS2-Related Disorders. Last evaluated: 2024-11-27. Review status: criteria provided, single submitter. Criteria: LabCorp Variant Classification Summary - May 2015. Collection method: clinical testing. Allele origin: germline.
Comment: Variant summary: FARS2 c.407C>A (p.Pro136His) results in a non-conservative amino acid change located in the tRNA synthetases class II core domain (F) (IPR002319) of the encoded protein sequence. Five of five in-silico tools predict a damaging effect of the variant on protein function. The variant allele was found at a frequency of 0.00031 in 251328 control chromosomes. This frequency is not significantly higher than estimated for a pathogenic variant in FARS2 causing FARS2-Related Disorders, allowing no conclusion about variant significance. c.407C>A has been reported in the presumed compound heterozygous state literature in individuals affected with FARS2-Related Disorders (example, Ngo_2020, Sahai_2018), including at least 1 individual carrying a pathogenic variant in trans. These data indicate that the variant may be associated with disease. At least one publication reports experimental evidence evaluating an impact on protein function. The most pronounced variant effect results in <10% catalytic efficiency in vitro (example, Sahai_2018). The following publications have been ascertained in the context of this evaluation (PMID: 31692161, 30250868). ClinVar contains an entry for this variant (Variation ID: 473309). Based on the evidence outlined above, the variant was classified as likely pathogenic.

Blueprint Genetics
Classification: Uncertain significance. Last evaluated: 2024-10-18. Review status: criteria provided, single submitter. Criteria: ACMG Guidelines, 2015. Collection method: clinical testing. Allele origin: germline.

GeneDx
Classification: Pathogenic. Last evaluated: 2024-05-23. Review status: criteria provided, single submitter. Criteria: GeneDx Variant Classification Process June 2021. Collection method: clinical testing. Allele origin: germline. Affected: yes.
Comment: Functional studies show that this variant is associated with significantly reduced enzyme activity compared to wild type (PMID: 30250868); In silico analysis supports that this missense variant has a deleterious effect on protein structure/function; This variant is associated with the following publications: (PMID: 30250868, 31692161, 37152989, 35794642, 38166857)

ARUP Laboratories, Molecular Genetics and Genomics, ARUP Laboratories
Classification: Likely pathogenic. Last evaluated: 2024-05-14. Review status: criteria provided, single submitter. Criteria: ARUP Molecular Germline Variant Investigation Process 2024. Collection method: clinical testing. Allele origin: germline.
Comment: The FARS2 c.407C>A; p.Pro136His variant (rs199863563; ClinVar Variation ID: 473309) is reported in the literature in two individuals affected with spastic paraplegia/spinocerebellar ataxia (Sahai 2018 and Ngo 2020). In both of these reported patients, the p.Pro136His variant was found in combination with additional pathogenic alleles of FARS2. This variant is found in the Ashkenazi Jewish population with an allele frequency of 0.63% (65/10,366 alleles) in the Genome Aggregation Database (v2.1.1). Computational analyses predict that this variant is deleterious (REVEL: 0.772). And functional analyses of the variant protein show reduced aminoacylation activity compared to wild-type (Sahai 2018). This variant is located in the catalytic domain of FARS2, and missense variants located in nearby residues have been reported in similarly affected patients (c.403C>G; p.His135Asp and c.422G>A; p.Gly141Glu; Walker 2016 and Forman 2019). Based on available information, the p.Pro136His variant is considered to be likely pathogenic. References: Forman EB et al. FARS2 Causing Complex Hereditary Spastic Paraplegia With Dysphonia: Expanding the Disease Spectrum. J Child Neurol. 2019 Sep;34(10):621. PMID: 31106652. Ngo KJ et al. A diagnostic ceiling for exome sequencing in cerebellar ataxia and related neurological disorders. Hum Mutat. 2020 Feb;41(2):487-501. PMID: 31692161 Sahai SK et al. FARS2 mutations presenting with pure spastic paraplegia and lesions of the dentate nuclei. Ann Clin Transl Neurol. 2018 Aug 14;5(9):1128-1133. PMID: 30250868 Walker MA et al. Novel Compound Heterozygous Mutations Expand the Recognized Phenotypes of FARS2-Linked Disease. J Child Neurol. 2016 Aug;31(9):1127-37. PMID: 27095821

Department of Pathology and Laboratory Medicine, Sinai Health System
Classification: Pathogenic for Combined oxidative phosphorylation defect type 14; Hereditary spastic paraplegia 77. Last evaluated: 2023-07-24. Review status: criteria provided, single submitter. Criteria: ACMG Guidelines, 2015. Collection method: research. Allele origin: germline.

Wong Mito Lab, Molecular and Human Genetics, Baylor College of Medicine
Classification: Uncertain significance for Combined oxidative phosphorylation deficiency 14. Last evaluated: 2018-06-13. Review status: flagged submission. Criteria: ACMG Guidelines, 2015. Collection method: clinical testing. Allele origin: germline. Not counted in ClinVar's aggregate classification.
ClinVar note: Reason: Older claim that does not account for recent evidence

Literature cited by the submitters: PubMed 30250868 (cited by Labcorp Genetics (formerly Invitae), Labcorp and Women's Health and Genetics/Laboratory Corporation of America, LabCorp); PubMed 31692161 (cited by Women's Health and Genetics/Laboratory Corporation of America, LabCorp).